The following is an entry in ClinVar:

NM_001035.3(RYR2):c.8657G>A (p.Arg2886Lys)

Gene: RYR2 (ryanodine receptor 2; plus strand). Cytogenetic location: 1q43.
Variant type: single nucleotide variant.
Coding change: c.8657G>A on transcript NM_001035.3 (MANE Select); coding-DNA position 8657, G replaced by A.
Protein change: p.Arg2886Lys; replaces arginine 2886 with lysine.
Molecular consequence: missense variant.
Genome position (GRCh38, 1-based): chr1:237,674,162, G>A. VCF-style: chr1-237674162-G-A. GRCh37 (hg19) VCF-style: chr1-237837462-G-A.
Other names: short protein forms R2886K.
Identifiers: ClinVar variation 3893995 (VCV003893995.2).

ClinVar aggregate classification (germline): Uncertain significance. Review status: criteria provided, multiple submitters, no conflicts (2 of 4 stars). 2 submissions from 2 submitters: Uncertain significance (2). Last evaluated 2025-02-07.

Conditions:
Cardiomyopathy (CMYO). Also called: Cardiomyopathies. Identifiers: Orphanet 167848, MedGen C0878544, MONDO:0004994, HP:0001638. Inheritance: Various modes of inheritance.
Catecholaminergic polymorphic ventricular tachycardia 1. Also called: VENTRICULAR TACHYCARDIA, STRESS-INDUCED POLYMORPHIC 1; VENTRICULAR TACHYCARDIA, CATECHOLAMINERGIC POLYMORPHIC, 1, WITH OR WITHOUT ATRIAL DYSFUNCTION AND/OR DILATED CARDIOMYOPATHY; RYR2-Related Catecholaminergic Polymorphic Ventricular Tachycardia. Identifiers: Orphanet 3286, MedGen C1631597, MONDO:0011484, OMIM 604772.

Submissions (2):

Labcorp Genetics (formerly Invitae), Labcorp
Classification: Uncertain significance for Catecholaminergic polymorphic ventricular tachycardia 1. Last evaluated: 2025-02-07. Review status: criteria provided, single submitter. Criteria: Invitae Variant Classification Sherloc (09022015). Collection method: clinical testing. Allele origin: germline.
Comment: This sequence change replaces arginine, which is basic and polar, with lysine, which is basic and polar, at codon 2886 of the RYR2 protein (p.Arg2886Lys). This variant is not present in population databases (gnomAD no frequency). This variant has not been reported in the literature in individuals affected with RYR2-related conditions. Invitae Evidence Modeling of protein sequence and biophysical properties (such as structural, functional, and spatial information, amino acid conservation, physicochemical variation, residue mobility, and thermodynamic stability) has been performed for this missense variant. However, the output from this modeling did not meet the statistical confidence thresholds required to predict the impact of this variant on RYR2 protein function. In summary, the available evidence is currently insufficient to determine the role of this variant in disease. Therefore, it has been classified as a Variant of Uncertain Significance.

Color Diagnostics, LLC DBA Color Health
Classification: Uncertain significance for Cardiomyopathy. Last evaluated: 2024-06-12. Review status: criteria provided, single submitter. Criteria: ACMG Guidelines, 2015. Collection method: clinical testing. Allele origin: germline.
Comment: This missense variant replaces arginine with lysine at codon 2886 of the RYR2 protein. Computational prediction is inconclusive regarding the impact of this variant on protein structure and function (internally defined REVEL score threshold 0.5 < inconclusive < 0.7, PMID: 27666373). To our knowledge, functional studies have not been reported for this variant. This variant has not been reported in individuals affected with RYR2-related disorders in the literature. This variant has not been identified in the general population by the Genome Aggregation Database (gnomAD). The available evidence is insufficient to determine the role of this variant in disease conclusively. Therefore, this variant is classified as a Variant of Uncertain Significance.